The following is an entry in ClinVar:

ClinVar aggregate classification (germline): Uncertain significance. Review status: criteria provided, multiple submitters, no conflicts (2 of 4 stars). 2 submissions from 2 submitters: Uncertain significance (2). Last evaluated 2025-02-27.

Conditions:
Neuronal ceroid lipofuscinosis 7 (CLN7). Also called: MFSD8-Related Neuronal Ceroid-Lipofuscinosis. Identifiers: Orphanet 168491, Orphanet 228366, MedGen C1838571, MONDO:0012588, OMIM 610951.

Allele frequency attached by ClinVar (database versions not stated): TOPMed below 0.00001.

Submissions (2):

Labcorp Genetics (formerly Invitae), Labcorp
Classification: Uncertain significance for Neuronal ceroid lipofuscinosis 7. Last evaluated: 2025-02-27. Review status: criteria provided, single submitter. Criteria: Invitae Variant Classification Sherloc (09022015). Collection method: clinical testing. Allele origin: germline.
Comment: This sequence change replaces serine, which is neutral and polar, with asparagine, which is neutral and polar, at codon 473 of the MFSD8 protein (p.Ser473Asn). This variant is not present in population databases (gnomAD no frequency). This variant has not been reported in the literature in individuals affected with MFSD8-related conditions. ClinVar contains an entry for this variant (Variation ID: 1912212). Invitae Evidence Modeling of protein sequence and biophysical properties (such as structural, functional, and spatial information, amino acid conservation, physicochemical variation, residue mobility, and thermodynamic stability) has been performed for this missense variant. However, the output from this modeling did not meet the statistical confidence thresholds required to predict the impact of this variant on MFSD8 protein function. In summary, the available evidence is currently insufficient to determine the role of this variant in disease. Therefore, it has been classified as a Variant of Uncertain Significance.

Blueprint Genetics
Classification: Uncertain significance. Last evaluated: 2022-03-16. Review status: criteria provided, single submitter. Criteria: ACMG Guidelines, 2015. Collection method: clinical testing. Allele origin: germline.

NM_001371596.2(MFSD8):c.1418G>A (p.Ser473Asn)

Gene: MFSD8 (major facilitator superfamily domain containing 8; minus strand). Cytogenetic location: 4q28.2.
Variant type: single nucleotide variant.
Coding change: c.1418G>A on transcript NM_001371596.2 (MANE Select); coding-DNA position 1418, G replaced by A.
Protein change: p.Ser473Asn; replaces serine 473 with asparagine.
Molecular consequence: missense variant.
Genome position (GRCh38, 1-based): chr4:127,920,769, C>T on the plus strand (G>A on the coding strand, the complement: MFSD8 is on the minus strand). VCF-style: chr4-127920769-C-T. GRCh37 (hg19) VCF-style: chr4-128841924-C-T.
Other names: c.1217G>A, p.Ser406Asn (NM_001363520.3); c.1103G>A, p.Ser368Asn (NM_001363521.3); c.1283G>A, p.Ser428Asn (NM_001371590.2); c.1427G>A, p.Ser476Asn (NM_001371591.2); c.1424G>A, p.Ser475Asn (NM_001371592.2); c.1304G>A, p.Ser435Asn (NM_001371593.2); c.1271G>A, p.Ser424Asn (NM_001371594.2); c.1136G>A, p.Ser379Asn (NM_001371595.1); and 3 more; short protein forms S475N, S323N, S406N, S424N, S435N, S368N, S476N, S379N.
Identifiers: ClinVar variation 1912212 (VCV001912212.4), dbSNP rs1736228256, ClinGen allele CA358170734.